The following is an entry in ClinVar:

ClinVar aggregate classification (germline): Uncertain significance (1 of 4 stars; one submission).

Conditions:
Dilated cardiomyopathy 1JJ (CMD1JJ). Identifiers: Orphanet 154, MedGen C3808935, MONDO:0014095, OMIM 615235.

Allele frequency attached by ClinVar (database versions not stated): gnomAD exomes below 0.00001.
gnomAD v4.1: 4 of 1,591,924 alleles (0.00025%); highest among the groups gnomAD compares: Non-Finnish European, 0.00034%; no homozygotes.

Submission:

Labcorp Genetics (formerly Invitae), Labcorp
Classification: Uncertain significance for Dilated cardiomyopathy 1JJ. Last evaluated: 2020-09-07. Review status: criteria provided, single submitter. Criteria: Invitae Variant Classification Sherloc (09022015). Collection method: clinical testing. Allele origin: germline.
Comment: This sequence change affects an acceptor splice site in intron 36 of the LAMA4 gene. It is expected to disrupt RNA splicing and likely results in an absent or disrupted protein product. This variant is not present in population databases (ExAC no frequency). This variant has not been reported in the literature in individuals with LAMA4-related conditions. Algorithms developed to predict the effect of sequence changes on RNA splicing suggest that this variant may disrupt the consensus splice site, but this prediction has not been confirmed by published transcriptional studies. The current clinical and genetic evidence is not sufficient to establish whether loss-of-function variants in LAMA4 cause disease. In summary, the available evidence is currently insufficient to determine the role of this variant in disease. Therefore, it has been classified as a Variant of Uncertain Significance.

NM_001105206.3(LAMA4):c.5113-2A>G

Gene: LAMA4 (laminin subunit alpha 4; minus strand). Cytogenetic location: 6q21.
Variant type: single nucleotide variant.
Coding change: c.5113-2A>G on transcript NM_001105206.3 (MANE Select); the canonical splice acceptor site of the intron before coding-DNA position 5113, A replaced by G.
Molecular consequence: splice acceptor variant.
Genome position (GRCh38, 1-based): chr6:112,114,758, T>C on the plus strand (A>G on the coding strand, the complement: LAMA4 is on the minus strand). VCF-style: chr6-112114758-T-C. GRCh37 (hg19) VCF-style: chr6-112435961-T-C.
Other names: c.5092-2A>G (NM_002290.5, NM_001105207.3).
Identifiers: ClinVar variation 1004787 (VCV001004787.7), dbSNP rs1554322946, ClinGen allele CA365365056.